The following is an entry in ClinVar:

NM_014363.6(SACS):c.137T>G (p.Val46Gly)

Genes: SACS (sacsin molecular chaperone; minus strand), LOC130009366 (ATAC-STARR-seq lymphoblastoid silent region 5172; plus strand). Cytogenetic location: 13q12.12.
Variant type: single nucleotide variant.
Coding change: c.137T>G on transcript NM_014363.6 (MANE Select); coding-DNA position 137, T replaced by G.
Protein change: p.Val46Gly; replaces valine 46 with glycine.
Molecular consequence: missense variant. On other transcripts: 5 prime UTR variant (1).
Genome position (GRCh38, 1-based): chr13:23,375,153, A>C on the plus strand (T>G on the coding strand, the complement: SACS is on the minus strand). VCF-style: chr13-23375153-A-C. GRCh37 (hg19) VCF-style: chr13-23949292-A-C.
Other names: c.-217T>G (NM_001278055.2); short protein forms V46G.
Identifiers: ClinVar variation 652874 (VCV000652874.6), dbSNP rs1593160887, ClinGen allele CA387554417.

ClinVar aggregate classification (germline): Uncertain significance (1 of 4 stars; one submission).

Conditions:
Spastic paraplegia. Identifiers: MedGen C0037772, HP:0001258.

Allele frequency attached by ClinVar (database versions not stated): gnomAD exomes below 0.00001.

Submission:

Labcorp Genetics (formerly Invitae), Labcorp
Classification: Uncertain significance for Spastic paraplegia. Last evaluated: 2022-01-19. Review status: criteria provided, single submitter. Criteria: Invitae Variant Classification Sherloc (09022015). Collection method: clinical testing. Allele origin: germline.
Comment: This sequence change replaces valine, which is neutral and non-polar, with glycine, which is neutral and non-polar, at codon 46 of the SACS protein (p.Val46Gly). This variant is not present in population databases (gnomAD no frequency). This variant has not been reported in the literature in individuals affected with SACS-related conditions. ClinVar contains an entry for this variant (Variation ID: 652874). Advanced modeling of protein sequence and biophysical properties (such as structural, functional, and spatial information, amino acid conservation, physicochemical variation, residue mobility, and thermodynamic stability) performed at Invitae indicates that this missense variant is not expected to disrupt SACS protein function. In summary, the available evidence is currently insufficient to determine the role of this variant in disease. Therefore, it has been classified as a Variant of Uncertain Significance.